The following is an entry in ClinVar:

ClinVar aggregate classification (germline): Conflicting classifications of pathogenicity. Review status: criteria provided, conflicting classifications (1 of 4 stars). 3 submissions from 3 submitters: Uncertain significance (1); Likely benign (2). Last evaluated 2025-12-24.

Conditions:
SCNN1G-related disorder. Also called: SCNN1G-related condition; SCNN1G-Related Disorders.

Allele frequency attached by ClinVar (database versions not stated): gnomAD exomes 0.00007; ExAC 0.00022; gnomAD 0.00074; ESP Exome Variant Server 0.00100; 1000 Genomes Project 0.00120; 1000 Genomes Project 30x 0.00125.
gnomAD v4.1: 217 of 1,614,160 alleles (0.013%); highest among the groups gnomAD compares: African/African-American, 0.24%; 1 homozygote.

Submissions (3):

Labcorp Genetics (formerly Invitae), Labcorp
Classification: Likely benign. Last evaluated: 2025-12-24. Review status: criteria provided, single submitter. Criteria: Invitae Variant Classification Sherloc (09022015). Collection method: clinical testing. Allele origin: germline.

PreventionGenetics, part of Exact Sciences
Classification: Likely benign for SCNN1G-related condition. Last evaluated: 2025-01-03. Review status: criteria provided, single submitter. Criteria: ACMG Guidelines, 2015. Collection method: clinical testing. Allele origin: germline.
Comment: This variant is classified as likely benign based on ACMG/AMP sequence variant interpretation guidelines (Richards et al. 2015 PMID: 25741868, with internal and published modifications).

Mayo Clinic Laboratories, Mayo Clinic
Classification: Uncertain significance. Last evaluated: 2023-02-22. Review status: criteria provided, single submitter. Criteria: ACMG Guidelines, 2015. Collection method: clinical testing. Allele origin: germline. Observed: 2 variant alleles.
Comment: BP4

NM_001039.4(SCNN1G):c.401C>T (p.Ser134Phe)

Gene: SCNN1G (sodium channel epithelial 1 subunit gamma; plus strand). Cytogenetic location: 16p12.2.
Variant type: single nucleotide variant.
Coding change: c.401C>T on transcript NM_001039.4 (MANE Select); coding-DNA position 401, C replaced by T.
Protein change: p.Ser134Phe; replaces serine 134 with phenylalanine.
Molecular consequence: missense variant.
Genome position (GRCh38, 1-based): chr16:23,189,454, C>T. VCF-style: chr16-23189454-C-T. GRCh37 (hg19) VCF-style: chr16-23200775-C-T.
Other names: p.Ser134Phe; c.401C>T (NM_001039.3); short protein forms S134F.
Identifiers: ClinVar variation 2080345 (VCV002080345.7), dbSNP rs148776783, ClinGen allele CA7959566.